The following is an entry in ClinVar:

ClinVar aggregate classification (germline): Benign/Likely benign. Review status: criteria provided, multiple submitters, no conflicts (2 of 4 stars). 15 submissions from 15 submitters: Benign (10); Likely benign (1). 4 of the submissions do not count toward it. Last evaluated 2026-06-23.

Conditions:
Connective tissue disorder. Also called: Connective tissue disease. Identifiers: MedGen C0009782, MONDO:0003900.
FGFR3-related chondrodysplasia. Identifiers: Orphanet 93420, MedGen C5681604, MONDO:0019685.

Allele frequency attached by ClinVar (database versions not stated): 1000 Genomes Project 0.01977; 1000 Genomes Project 30x 0.01999; TOPMed 0.02544; ESP Exome Variant Server 0.02743.

Submissions (15):

Genomenon, Inc
Classification: Benign for FGFR3-related chondrodysplasia. Last evaluated: 2026-06-23. Review status: criteria provided, single submitter. Criteria: Genomenon Sequence Variant Interpretation Standards - Updated. Collection method: curation. Allele origin: germline. Affected: no.
Comment: FGFR3 p.Gly549= (c.1647G>T) is a synonymous variant that retains Glycine at codon 549. This variant is present at high allele frequency in population databases. This variant is not predicted to impact splicing. We classify FGFR3 p.Gly549= (c.1647G>T) as a benign variant.

Women's Health and Genetics/Laboratory Corporation of America, LabCorp
Classification: Benign. Last evaluated: 2026-05-11. Review status: criteria provided, single submitter. Criteria: LabCorp Variant Classification Summary - May 2015. Collection method: clinical testing. Allele origin: germline.

Labcorp Genetics (formerly Invitae), Labcorp
Classification: Benign. Last evaluated: 2026-02-01. Review status: criteria provided, single submitter. Criteria: Invitae Variant Classification Sherloc (09022015). Collection method: clinical testing. Allele origin: germline.

CeGaT Center for Human Genetics Tuebingen
Classification: Benign. Last evaluated: 2025-06-01. Review status: criteria provided, single submitter. Criteria: CeGaT Center For Human Genetics Tuebingen Variant Classification Criteria Version 2. Collection method: clinical testing. Allele origin: germline. Affected: yes. Observed: 1 variant allele.
Comment: FGFR3: BP4, BP7, BS1, BS2

ARUP Laboratories, Molecular Genetics and Genomics, ARUP Laboratories
Classification: Benign. Last evaluated: 2025-04-09. Review status: criteria provided, single submitter. Criteria: ARUP Molecular Germline Variant Investigation Process 2024. Collection method: clinical testing. Allele origin: germline.

Blueprint Genetics
Classification: Likely benign. Last evaluated: 2024-11-26. Review status: criteria provided, single submitter. Criteria: ACMG Guidelines, 2015. Collection method: clinical testing. Allele origin: germline.

Mayo Clinic Laboratories, Mayo Clinic
Classification: Benign. Last evaluated: 2024-07-10. Review status: criteria provided, single submitter. Criteria: ACMG Guidelines, 2015. Collection method: clinical testing. Allele origin: germline. Observed: 29 variant alleles.
Comment: BA1, BS2, BP4, BP7

Genome Diagnostics Laboratory, The Hospital for Sick Children
Classification: Benign for Connective tissue disorder. Last evaluated: 2022-05-12. Review status: criteria provided, single submitter. Criteria: ACMG Guidelines, 2015. Collection method: clinical testing. Allele origin: germline.

GeneDx
Classification: Benign. Last evaluated: 2016-06-06. Review status: criteria provided, single submitter. Criteria: GeneDx Variant Classification (06012015). Collection method: clinical testing. Allele origin: germline. Affected: yes.
Comment: This variant is considered likely benign or benign based on one or more of the following criteria: it is a conservative change, it occurs at a poorly conserved position in the protein, it is predicted to be benign by multiple in silico algorithms, and/or has population frequency not consistent with disease.

Breakthrough Genomics
Classification: Benign. Review status: criteria provided, single submitter. Criteria: ACMG Guidelines, 2015. Collection method: not provided. Allele origin: germline. Inheritance: Autosomal dominant inheritance. Affected: yes.

PreventionGenetics, part of Exact Sciences
Classification: Benign. Review status: criteria provided, single submitter. Criteria: ACMG Guidelines, 2015. Collection method: clinical testing. Allele origin: germline.

Clinical Genetics DNA and cytogenetics Diagnostics Lab, Erasmus MC, Erasmus Medical Center
Classification: Benign. Review status: no assertion criteria provided. Collection method: clinical testing. Allele origin: germline. Affected: yes. Study: VKGL Data-share Consensus. Not counted in ClinVar's aggregate classification.

Genome Diagnostics Laboratory, Amsterdam University Medical Center
Classification: Benign. Review status: no assertion criteria provided. Collection method: clinical testing. Allele origin: germline. Affected: yes. Study: VKGL Data-share Consensus. Not counted in ClinVar's aggregate classification.

Genome Diagnostics Laboratory, University Medical Center Utrecht
Classification: Benign. Review status: no assertion criteria provided. Collection method: clinical testing. Allele origin: germline. Affected: yes. Study: VKGL Data-share Consensus. Not counted in ClinVar's aggregate classification.

Laboratory of Diagnostic Genome Analysis, Leiden University Medical Center (LUMC)
Classification: Benign. Review status: no assertion criteria provided. Collection method: clinical testing. Allele origin: germline. Affected: yes. Study: VKGL Data-share Consensus. Not counted in ClinVar's aggregate classification.

NM_000142.5(FGFR3):c.1647G>T (p.Gly549=)

Gene: FGFR3 (fibroblast growth factor receptor 3; plus strand). Cytogenetic location: 4p16.3.
Variant type: single nucleotide variant.
Coding change: c.1647G>T on transcript NM_000142.5 (MANE Select); coding-DNA position 1647, G replaced by T.
Protein change: p.Gly549=; no amino-acid change (glycine 549 retained).
Molecular consequence: synonymous variant. On other transcripts: non-coding transcript variant (1).
Genome position (GRCh38, 1-based): chr4:1,805,751, G>T. VCF-style: chr4-1805751-G-T. GRCh37 (hg19) VCF-style: chr4-1807478-G-T.
Other names: p.Gly549=; c.1653G>T, p.Gly551= (NM_001163213.2); c.1650G>T, p.Gly550= (NM_001354809.2, NM_001354810.2); c.1311G>T, p.Gly437= (NM_022965.4).
Identifiers: ClinVar variation 255334 (VCV000255334.44), dbSNP rs3135897, ClinGen allele CA2810530.
Genomic context (GRCh38, chr4:1,805,751, plus strand): 5'-GTGCCGGCTGGGCGGCCCTCCTGGGCCTGGCAGCCCGTCTGAGGAGCCCGTGTCCCCAGG[G>T]CCCCTGTACGTGCTGGTGGAGTACGCGGCCAAGGGTAACCTGCGGGAGTTTCTGCGGGCG-3'
Protein context (NP_000133.1, residues 539-559): INLLGACTQG[Gly549=]PLYVLVEYAA